The following is an entry in ClinVar:

NM_002470.4(MYH3):c.3131A>T (p.Lys1044Met)

Gene: MYH3 (myosin heavy chain 3; minus strand). Cytogenetic location: 17p13.1.
Variant type: single nucleotide variant.
Coding change: c.3131A>T on transcript NM_002470.4 (MANE Select); coding-DNA position 3131, A replaced by T.
Protein change: p.Lys1044Met; replaces lysine 1044 with methionine.
Molecular consequence: missense variant.
Genome position (GRCh38, 1-based): chr17:10,639,161, T>A on the plus strand (A>T on the coding strand, the complement: MYH3 is on the minus strand). VCF-style: chr17-10639161-T-A. GRCh37 (hg19) VCF-style: chr17-10542478-T-A.
Other names: short protein forms K1044M.
Identifiers: ClinVar variation 1967924 (VCV001967924.5), dbSNP rs111606465, ClinGen allele CA287784412.

ClinVar aggregate classification (germline): Uncertain significance (1 of 4 stars; one submission).

Allele frequency attached by ClinVar (database versions not stated): gnomAD exomes below 0.00001; TOPMed below 0.00001.
gnomAD v4.1: 4 of 1,614,186 alleles (0.00025%); highest among the groups gnomAD compares: African/African-American, 0.0027%; no homozygotes.

Submission:

Labcorp Genetics (formerly Invitae), Labcorp
Classification: Uncertain significance. Last evaluated: 2025-05-27. Review status: criteria provided, single submitter. Criteria: Invitae Variant Classification Sherloc (09022015). Collection method: clinical testing. Allele origin: germline.
Comment: This sequence change replaces lysine, which is basic and polar, with methionine, which is neutral and non-polar, at codon 1044 of the MYH3 protein (p.Lys1044Met). This variant is not present in population databases (gnomAD no frequency). This missense change has been observed in individual(s) with MYH3-related conditions (PMID: 37516995). ClinVar contains an entry for this variant (Variation ID: 1967924). Invitae Evidence Modeling of protein sequence and biophysical properties (such as structural, functional, and spatial information, amino acid conservation, physicochemical variation, residue mobility, and thermodynamic stability) has been performed for this missense variant. However, the output from this modeling did not meet the statistical confidence thresholds required to predict the impact of this variant on MYH3 protein function. In summary, the available evidence is currently insufficient to determine the role of this variant in disease. Therefore, it has been classified as a Variant of Uncertain Significance.

Literature cited by the submitters: PubMed 37516995.